The following is an entry in ClinVar:

NC_000008.10:g.(?_145137634)_(145138963_?)del

Gene: GPAA1 (glycosylphosphatidylinositol anchor attachment 1; plus strand). Cytogenetic location: 8q24.3.
Variant type: Deletion.
Identifiers: ClinVar variation 2424759 (VCV002424759.4).

ClinVar aggregate classification (germline): Pathogenic (1 of 4 stars; one submission).

Submission:

Labcorp Genetics (formerly Invitae), Labcorp
Classification: Pathogenic. Last evaluated: 2022-05-12. Review status: criteria provided, single submitter. Criteria: Invitae Variant Classification Sherloc (09022015). Collection method: clinical testing. Allele origin: germline.
Comment: For these reasons, this variant has been classified as Pathogenic. This variant has not been reported in the literature in individuals affected with GPAA1-related conditions. This variant is a gross deletion of the genomic region encompassing exon(s) 1-5 of the GPAA1 gene, which includes the initiator codon. This deletion extends beyond the assayed region for this gene and therefore may encompass additional genes. It is expected to result in an absent or disrupted protein product. Loss-of-function variants in GPAA1 are known to be pathogenic (PMID: 29100095).

Literature cited by the submitters: PubMed 29100095.